The following is an entry in ClinVar:

NM_015665.6(AAAS):c.942G>C (p.Trp314Cys)

Gene: AAAS (aladin WD repeat nucleoporin; minus strand). Cytogenetic location: 12q13.13.
Variant type: single nucleotide variant.
Coding change: c.942G>C on transcript NM_015665.6 (MANE Select); coding-DNA position 942, G replaced by C.
Protein change: p.Trp314Cys; replaces tryptophan 314 with cysteine.
Molecular consequence: missense variant.
Genome position (GRCh38, 1-based): chr12:53,309,014, C>G on the plus strand (G>C on the coding strand, the complement: AAAS is on the minus strand). VCF-style: chr12-53309014-C-G. GRCh37 (hg19) VCF-style: chr12-53702798-C-G.
Other names: c.843G>C, p.Trp281Cys (NM_001173466.2); short protein forms W314C, W281C.
Identifiers: ClinVar variation 384507 (VCV000384507.2), dbSNP rs1057521973, ClinGen allele CA16606337.

ClinVar aggregate classification (germline): Uncertain significance (1 of 4 stars; one submission).

Submission:

GeneDx
Classification: Uncertain significance. Last evaluated: 2016-02-29. Review status: criteria provided, single submitter. Criteria: GeneDx Variant Classification (06012015). Collection method: clinical testing. Allele origin: germline. Affected: yes.
Comment: A variant of uncertain significance has been identified in the AAAS gene. The W314C variant has not been published as a pathogenic variant, nor has it been reported as a benign variant to our knowledge. The variant was not observed in approximately 6,500 individuals of European and African American ancestry in the NHLBI Exome Sequencing Project, indicating it is not a common benign variant in these populations. W314C is a non-conservative amino acid substitution, which is likely to impact secondary protein structure as these residues differ in polarity, charge, size and/or other properties. This substitution occurs at a position that is conserved across species; however, in silico analysis is inconsistent in its predictions as to whether or not the variant is damaging to the protein structure/function. Therefore, based on the currently available information, it is unclear whether this variant is a pathogenic variant or a rare benign variant.